The following is an entry in ClinVar:

ClinVar aggregate classification (germline): Uncertain significance (1 of 4 stars; one submission).

Conditions:
Nemaline myopathy 2 (NEM2). Also called: Nemaline myopathy 2, autosomal recessive. Identifiers: MedGen C1850569, MONDO:0009725, OMIM 256030.

Submission:

Labcorp Genetics (formerly Invitae), Labcorp
Classification: Uncertain significance for Nemaline myopathy 2. Last evaluated: 2022-11-01. Review status: criteria provided, single submitter. Criteria: Invitae Variant Classification Sherloc (09022015). Collection method: clinical testing. Allele origin: germline.
Comment: This sequence change replaces aspartic acid, which is acidic and polar, with glutamic acid, which is acidic and polar, at codon 7082 of the NEB protein (p.Asp7082Glu). This variant is not present in population databases (gnomAD no frequency). In summary, the available evidence is currently insufficient to determine the role of this variant in disease. Therefore, it has been classified as a Variant of Uncertain Significance. Algorithms developed to predict the effect of missense changes on protein structure and function are either unavailable or do not agree on the potential impact of this missense change (SIFT: "Tolerated"; PolyPhen-2: "Not Available"; Align-GVGD: "Class C0"). ClinVar contains an entry for this variant (Variation ID: 1353019). This variant has not been reported in the literature in individuals affected with NEB-related conditions.

NM_001164508.2(NEB):c.21246T>G (p.Asp7082Glu)

Gene: NEB (nebulin; minus strand). Cytogenetic location: 2q23.3.
Variant type: single nucleotide variant.
Coding change: c.21246T>G on transcript NM_001164508.2 (MANE Select); coding-DNA position 21246, T replaced by G.
Protein change: p.Asp7082Glu; replaces aspartic acid 7082 with glutamic acid.
Molecular consequence: missense variant.
Genome position (GRCh38, 1-based): chr2:151,535,757, A>C on the plus strand (T>G on the coding strand, the complement: NEB is on the minus strand). VCF-style: chr2-151535757-A-C. GRCh37 (hg19) VCF-style: chr2-152392271-A-C.
Other names: c.21246T>G, p.Asp7082Glu (NM_001164507.2, NM_001271208.2); c.16143T>G, p.Asp5381Glu (NM_004543.5); short protein forms D5381E, D7082E.
Identifiers: ClinVar variation 1353019 (VCV001353019.6), dbSNP rs2153534764, ClinGen allele CA348773014.